The following is an entry in ClinVar:

ClinVar aggregate classification (germline): Uncertain significance (1 of 4 stars; one submission).

Conditions:
Immunodeficiency due to CD25 deficiency. Also called: CD25 DEFICIENCY; IL2RA DEFICIENCY; IMMUNODEFICIENCY 41 WITH LYMPHOPROLIFERATION AND AUTOIMMUNITY. Identifiers: Orphanet 169100, MedGen C1853392, MONDO:0011664, OMIM 606367.

Submission:

Labcorp Genetics (formerly Invitae), Labcorp
Classification: Uncertain significance for Immunodeficiency due to CD25 deficiency. Last evaluated: 2023-08-04. Review status: criteria provided, single submitter. Criteria: Invitae Variant Classification Sherloc (09022015). Collection method: clinical testing. Allele origin: unknown.
Comment: A copy number gain of the genomic region encompassing the full coding sequence of the IL2RA gene has been identified. The boundaries of this event are unknown as they extend beyond the assayed region for this gene and therefore may encompass additional genes. As the precise location of this event is unknown, it may be in tandem or it may be located elsewhere in the genome. This variant has not been reported in the literature in individuals affected with IL2RA-related conditions. In summary, the available evidence is currently insufficient to determine the role of this variant in disease. Therefore, it has been classified as a Variant of Uncertain Significance.

NC_000010.10:g.(?_5936453)_(6104114_?)dup

Genes: IL2RA (interleukin 2 receptor subunit alpha; minus strand), FBH1 (F-box DNA helicase 1; plus strand), IL15RA (interleukin 15 receptor subunit alpha; minus strand). Cytogenetic location: 10p15.1.
Variant type: Duplication.
Identifiers: ClinVar variation 3244845 (VCV003244845.1).